The following is an entry in ClinVar:

ClinVar aggregate classification (germline): Uncertain significance. Review status: criteria provided, multiple submitters, no conflicts (2 of 4 stars). 2 submissions from 2 submitters: Uncertain significance (2). Last evaluated 2022-06-01.

gnomAD v4.1: 23 of 1,531,262 alleles (0.0015%); highest among the groups gnomAD compares: Middle Eastern, 0.041%; no homozygotes.

Submissions (2):

Labcorp Genetics (formerly Invitae), Labcorp
Classification: Uncertain significance. Last evaluated: 2022-06-01. Review status: criteria provided, single submitter. Criteria: Invitae Variant Classification Sherloc (09022015). Collection method: clinical testing. Allele origin: germline.
Comment: In summary, the available evidence is currently insufficient to determine the role of this variant in disease. Therefore, it has been classified as a Variant of Uncertain Significance. Algorithms developed to predict the effect of missense changes on protein structure and function are either unavailable or do not agree on the potential impact of this missense change (SIFT: "Deleterious"; PolyPhen-2: "Benign"; Align-GVGD: "Class C0"). This variant has not been reported in the literature in individuals affected with DSCAML1-related conditions. This variant is present in population databases (rs753302101, gnomAD 0.006%). This sequence change replaces alanine, which is neutral and non-polar, with valine, which is neutral and non-polar, at codon 2062 of the DSCAML1 protein (p.Ala2062Val).

Breakthrough Genomics
Classification: Uncertain significance. Review status: criteria provided, single submitter. Criteria: ACMG Guidelines, 2015. Collection method: not provided. Allele origin: germline. Inheritance: Unknown mechanism. Affected: yes.

NM_020693.4(DSCAML1):c.6005C>T (p.Ala2002Val)

Gene: DSCAML1 (DS cell adhesion molecule like 1; minus strand). Cytogenetic location: 11q23.3.
Variant type: single nucleotide variant.
Coding change: c.6005C>T on transcript NM_020693.4 (MANE Select); coding-DNA position 6005, C replaced by T.
Protein change: p.Ala2002Val; replaces alanine 2002 with valine.
Molecular consequence: missense variant.
Genome position (GRCh38, 1-based): chr11:117,428,485, G>A on the plus strand (C>T on the coding strand, the complement: DSCAML1 is on the minus strand). VCF-style: chr11-117428485-G-A. GRCh37 (hg19) VCF-style: chr11-117299201-G-A.
Other names: short protein forms A2002V.
Identifiers: ClinVar variation 2085258 (VCV002085258.5), dbSNP rs753302101, ClinGen allele CA6295898.